The following is an entry in ClinVar:

NM_001385.3(DPYS):c.1472C>T (p.Ala491Val)

Gene: DPYS (dihydropyrimidinase; minus strand). Cytogenetic location: 8q22.3.
Variant type: single nucleotide variant.
Coding change: c.1472C>T on transcript NM_001385.3 (MANE Select); coding-DNA position 1472, C replaced by T.
Protein change: p.Ala491Val; replaces alanine 491 with valine.
Molecular consequence: missense variant.
Genome position (GRCh38, 1-based): chr8:104,381,286, G>A on the plus strand (C>T on the coding strand, the complement: DPYS is on the minus strand). VCF-style: chr8-104381286-G-A. GRCh37 (hg19) VCF-style: chr8-105393514-G-A.
Other names: c.1472C>T (NM_001385.2); short protein forms A491V.
Identifiers: ClinVar variation 1972847 (VCV001972847.6), dbSNP rs746696482, ClinGen allele CA4838266.
Genomic context (GRCh38, chr8:104,381,286, plus strand): 5'-GCTGTGGCATCTTCTTTTGTCACTCTGGATTTCAGTGTGGCGACTTCTCCCTTATAGGGT[G>A]CACGCTCCACAGGGGTAGGTGTGCAAGTCTGAAAGAGAACATTTCATTTCTCTCTTGTGG-3'
Protein context (NP_001376.1, residues 481-501): RTCTPTPVER[Ala491Val]PYKGEVATLK

ClinVar aggregate classification (germline): Uncertain significance. Review status: criteria provided, multiple submitters, no conflicts (2 of 4 stars). 2 submissions from 2 submitters: Uncertain significance (2). Last evaluated 2025-06-24.

Conditions:
Inborn genetic diseases. Identifiers: MedGen C0950123, MeSH D030342.

Allele frequency attached by ClinVar (database versions not stated): ExAC 0.00001; gnomAD 0.00001; gnomAD exomes 0.00001; TOPMed 0.00004.
gnomAD v4.1: 12 of 1,614,036 alleles (0.00074%); highest among the groups gnomAD compares: South Asian, 0.0022%; no homozygotes.

Submissions (2):

Ambry Genetics
Classification: Uncertain significance for Inborn genetic diseases. Last evaluated: 2025-06-24. Review status: criteria provided, single submitter. Criteria: Ambry Variant Classification Scheme 2023. Collection method: clinical testing. Allele origin: germline.

Labcorp Genetics (formerly Invitae), Labcorp
Classification: Uncertain significance. Last evaluated: 2024-10-07. Review status: criteria provided, single submitter. Criteria: Invitae Variant Classification Sherloc (09022015). Collection method: clinical testing. Allele origin: germline.
Comment: This sequence change replaces alanine, which is neutral and non-polar, with valine, which is neutral and non-polar, at codon 491 of the DPYS protein (p.Ala491Val). This variant is present in population databases (rs746696482, gnomAD 0.0009%). This variant has not been reported in the literature in individuals affected with DPYS-related conditions. ClinVar contains an entry for this variant (Variation ID: 1972847). An algorithm developed to predict the effect of missense changes on protein structure and function outputs the following: PolyPhen-2: "Benign". The valine amino acid residue is found in multiple mammalian species, which suggests that this missense change does not adversely affect protein function. In summary, the available evidence is currently insufficient to determine the role of this variant in disease. Therefore, it has been classified as a Variant of Uncertain Significance.